The following is an entry in ClinVar:

ClinVar aggregate classification (germline): Uncertain significance (1 of 4 stars; one submission).

Conditions:
Familial adenomatous polyposis 1 (FAP1). Also called: POLYPOSIS, ADENOMATOUS INTESTINAL; FAMILIAL ADENOMATOUS POLYPOSIS 1, ATTENUATED. Identifiers: MedGen C2713442, MONDO:0021056, OMIM 175100. Disease mechanism: loss of function.

Allele frequency attached by ClinVar (database versions not stated): gnomAD exomes below 0.00001.

Submission:

Labcorp Genetics (formerly Invitae), Labcorp
Classification: Uncertain significance for Familial adenomatous polyposis 1. Last evaluated: 2023-08-22. Review status: criteria provided, single submitter. Criteria: Invitae Variant Classification Sherloc (09022015). Collection method: clinical testing. Allele origin: germline.
Comment: In summary, the available evidence is currently insufficient to determine the role of this variant in disease. Therefore, it has been classified as a Variant of Uncertain Significance. This sequence change replaces asparagine, which is neutral and polar, with tyrosine, which is neutral and polar, at codon 804 of the APC protein (p.Asn804Tyr). This variant is present in population databases (no rsID available, gnomAD 0.003%). This variant has not been reported in the literature in individuals affected with APC-related conditions. ClinVar contains an entry for this variant (Variation ID: 469746). Advanced modeling of protein sequence and biophysical properties (such as structural, functional, and spatial information, amino acid conservation, physicochemical variation, residue mobility, and thermodynamic stability) performed at Invitae indicates that this missense variant is not expected to disrupt APC protein function.

NM_000038.6(APC):c.2410A>T (p.Asn804Tyr)

Gene: APC (APC regulator of Wnt signaling pathway; plus strand). Cytogenetic location: 5q22.2.
Variant type: single nucleotide variant.
Coding change: c.2410A>T on transcript NM_000038.6 (MANE Select); coding-DNA position 2410, A replaced by T.
Protein change: p.Asn804Tyr; replaces asparagine 804 with tyrosine.
Molecular consequence: missense variant.
Genome position (GRCh38, 1-based): chr5:112,838,004, A>T. VCF-style: chr5-112838004-A-T. GRCh37 (hg19) VCF-style: chr5-112173701-A-T.
Other names: c.2410A>T, p.Asn804Tyr (NM_001127510.3, NM_001354895.2); c.2356A>T, p.Asn786Tyr (NM_001127511.3); c.2464A>T, p.Asn822Tyr (NM_001354896.2); c.2440A>T, p.Asn814Tyr (NM_001354897.2); c.2335A>T, p.Asn779Tyr (NM_001354898.2); c.2326A>T, p.Asn776Tyr (NM_001354899.2); c.2287A>T, p.Asn763Tyr (NM_001354900.2); c.2233A>T, p.Asn745Tyr (NM_001354901.2); and 5 more; short protein forms N786Y, N804Y, N644Y, N703Y, N779Y, N814Y, N678Y, N713Y.
Identifiers: ClinVar variation 469746 (VCV000469746.10), dbSNP rs1382294216, ClinGen allele CA16026628.